The following is an entry in ClinVar:

ClinVar aggregate classification (germline): Uncertain significance (1 of 4 stars; one submission).

Submission:

Greenwood Genetic Center Diagnostic Laboratories, Greenwood Genetic Center
Classification: Uncertain significance. Last evaluated: 2023-10-25. Review status: criteria provided, single submitter. Criteria: ACMG Guidelines, 2015. Collection method: clinical testing. Allele origin: germline. Affected: yes.
Comment: PM2

NM_015021.3(ZNF292):c.2059T>A (p.Phe687Ile)

Gene: ZNF292 (zinc finger protein 292; plus strand). Cytogenetic location: 6q14.3.
Variant type: single nucleotide variant.
Coding change: c.2059T>A on transcript NM_015021.3 (MANE Select); coding-DNA position 2059, T replaced by A.
Protein change: p.Phe687Ile; replaces phenylalanine 687 with isoleucine.
Molecular consequence: missense variant.
Genome position (GRCh38, 1-based): chr6:87,255,688, T>A. VCF-style: chr6-87255688-T-A. GRCh37 (hg19) VCF-style: chr6-87965406-T-A.
Other names: c.1639T>A, p.Phe547Ile (NM_001351444.2); short protein forms F547I, F687I.
Identifiers: ClinVar variation 2692572 (VCV002692572.1), dbSNP rs200991861, ClinGen allele CA364911758.